The following is an entry in ClinVar:

NM_005677.4(COLQ):c.23C>G (p.Thr8Ser)

Gene: COLQ (collagen like tail subunit of asymmetric acetylcholinesterase; minus strand). Cytogenetic location: 3p25.1.
Variant type: single nucleotide variant.
Coding change: c.23C>G on transcript NM_005677.4 (MANE Select); coding-DNA position 23, C replaced by G.
Protein change: p.Thr8Ser; replaces threonine 8 with serine.
Molecular consequence: missense variant.
Genome position (GRCh38, 1-based): chr3:15,521,603, G>C on the plus strand (C>G on the coding strand, the complement: COLQ is on the minus strand). VCF-style: chr3-15521603-G-C. GRCh37 (hg19) VCF-style: chr3-15563110-G-C.
Other names: p.Thr8Ser; c.23C>G, p.Thr8Ser (NM_080539.4); short protein forms T8S.
Identifiers: ClinVar variation 281936 (VCV000281936.23), dbSNP rs189427175, ClinGen allele CA2276400.

ClinVar aggregate classification (germline): Conflicting classifications of pathogenicity. Review status: criteria provided, conflicting classifications (1 of 4 stars). 7 submissions from 7 submitters: Uncertain significance (2); Benign (2); Likely benign (2). 1 of the submissions does not count toward it. Last evaluated 2026-01-17.

Conditions:
COLQ-related disorder. Also called: COLQ-related condition.
Congenital myasthenic syndrome 5. Identifiers: Orphanet 590, MedGen C1864233, MONDO:0011281, OMIM 603034.
Inborn genetic diseases. Identifiers: MedGen C0950123, MeSH D030342.

Allele frequency attached by ClinVar (database versions not stated): ExAC 0.00015; gnomAD exomes 0.00017 and 0.00065; 1000 Genomes Project 0.00080; 1000 Genomes Project 30x 0.00094; TOPMed 0.00124; gnomAD 0.00128 and 0.00131.

Submissions (7):

Labcorp Genetics (formerly Invitae), Labcorp
Classification: Benign for Congenital myasthenic syndrome 5. Last evaluated: 2026-01-17. Review status: criteria provided, single submitter. Criteria: Invitae Variant Classification Sherloc (09022015). Collection method: clinical testing. Allele origin: germline.

Mayo Clinic Laboratories, Mayo Clinic
Classification: Benign. Last evaluated: 2024-09-30. Review status: criteria provided, single submitter. Criteria: ACMG Guidelines, 2015. Collection method: clinical testing. Allele origin: germline. Observed: 1 variant allele.
Comment: BS1, BS2

Ambry Genetics
Classification: Uncertain significance for Inborn genetic diseases. Last evaluated: 2023-10-30. Review status: criteria provided, single submitter. Criteria: Ambry Variant Classification Scheme 2023. Collection method: clinical testing. Allele origin: germline.

Illumina Laboratory Services, Illumina
Classification: Uncertain significance for Congenital myasthenic syndrome 5. Last evaluated: 2018-01-13. Review status: criteria provided, single submitter. Criteria: ICSL Variant Classification Criteria 13 December 2019. Collection method: clinical testing. Allele origin: germline.

GeneDx
Classification: Likely benign. Last evaluated: 2018-01-12. Review status: criteria provided, single submitter. Criteria: GeneDx Variant Classification (06012015). Collection method: clinical testing. Allele origin: germline. Affected: yes.
Comment: This variant is considered likely benign or benign based on one or more of the following criteria: it is a conservative change, it occurs at a poorly conserved position in the protein, it is predicted to be benign by multiple in silico algorithms, and/or has population frequency not consistent with disease.

Eurofins Ntd Llc (ga)
Classification: Likely benign. Last evaluated: 2017-06-02. Review status: criteria provided, single submitter. Criteria: EGL Classification Definitions 2015. Collection method: clinical testing. Allele origin: germline. Observed: 2 variant alleles, 1 heterozygote, 1 homozygote.

PreventionGenetics, part of Exact Sciences
Classification: Likely benign for COLQ-related condition. Last evaluated: 2021-05-12. Review status: no assertion criteria provided. Collection method: clinical testing. Allele origin: germline. Not counted in ClinVar's aggregate classification.
Comment: This variant is classified as likely benign based on ACMG/AMP sequence variant interpretation guidelines (Richards et al. 2015 PMID: 25741868, with internal and published modifications).